The following is an entry in ClinVar:

NM_024757.5(EHMT1):c.349A>G (p.Thr117Ala)

Gene: EHMT1 (euchromatic histone lysine methyltransferase 1; plus strand). Cytogenetic location: 9q34.3.
Variant type: single nucleotide variant.
Coding change: c.349A>G on transcript NM_024757.5 (MANE Select); coding-DNA position 349, A replaced by G.
Protein change: p.Thr117Ala; replaces threonine 117 with alanine.
Molecular consequence: missense variant.
Genome position (GRCh38, 1-based): chr9:137,716,889, A>G. VCF-style: chr9-137716889-A-G. GRCh37 (hg19) VCF-style: chr9-140611341-A-G.
Other names: c.349A>G, p.Thr117Ala (NM_001145527.2, NM_001354263.2, NM_001354611.2); c.256A>G, p.Thr86Ala (NM_001354259.2, NM_001354612.2); short protein forms T86A, T117A.
Identifiers: ClinVar variation 657610 (VCV000657610.11), dbSNP rs1430981983, ClinGen allele CA375764538.
Genomic context (GRCh38, chr9:137,716,889, plus strand): 5'-TCAGAAAGAGACTCAGAAGCGGCGAAGCAAAACCACGTCACTGCCGACGACTTTGTGCAG[A>G]CTTCTGTCATCGGCAGCAACGGATACATCTTAAATAAGCCGGCCCTACAGGCACAGCCCT-3'
Protein context (NP_079033.4, residues 107-127): NHVTADDFVQ[Thr117Ala]SVIGSNGYIL

ClinVar aggregate classification (germline): Uncertain significance (1 of 4 stars; one submission).

Conditions:
Kleefstra syndrome 1 (KLEFS1). Identifiers: Orphanet 261494, MedGen C0795833, MONDO:0027407, OMIM 610253.

Allele frequency attached by ClinVar (database versions not stated): gnomAD exomes below 0.00001; TOPMed below 0.00001; gnomAD 0.00001.
gnomAD v4.1: 2 of 1,612,980 alleles (0.00012%); highest among the groups gnomAD compares: Admixed American, 0.0033%; no homozygotes.

Submission:

Labcorp Genetics (formerly Invitae), Labcorp
Classification: Uncertain significance for Kleefstra syndrome 1. Last evaluated: 2025-05-05. Review status: criteria provided, single submitter. Criteria: Invitae Variant Classification Sherloc (09022015). Collection method: clinical testing. Allele origin: germline.
Comment: This sequence change replaces threonine, which is neutral and polar, with alanine, which is neutral and non-polar, at codon 117 of the EHMT1 protein (p.Thr117Ala). This variant is present in population databases (no rsID available, gnomAD 0.003%). This variant has not been reported in the literature in individuals affected with EHMT1-related conditions. ClinVar contains an entry for this variant (Variation ID: 657610). An algorithm developed to predict the effect of missense changes on protein structure and function (PolyPhen-2) suggests that this variant is likely to be tolerated. In summary, the available evidence is currently insufficient to determine the role of this variant in disease. Therefore, it has been classified as a Variant of Uncertain Significance.